The following is an entry in ClinVar:

ClinVar aggregate classification (germline): Benign/Likely benign. Review status: criteria provided, multiple submitters, no conflicts (2 of 4 stars). 8 submissions from 8 submitters: Benign (2); Likely benign (3). 3 of the submissions do not count toward it. Last evaluated 2026-01-31.

Submissions (8):

Labcorp Genetics (formerly Invitae), Labcorp
Classification: Benign. Last evaluated: 2026-01-31. Review status: criteria provided, single submitter. Criteria: Invitae Variant Classification Sherloc (09022015). Collection method: clinical testing. Allele origin: germline.

Blueprint Genetics
Classification: Likely benign. Last evaluated: 2024-11-25. Review status: criteria provided, single submitter. Criteria: ACMG Guidelines, 2015. Collection method: clinical testing. Allele origin: germline.

GeneDx
Classification: Likely benign. Last evaluated: 2022-05-24. Review status: criteria provided, single submitter. Criteria: GeneDx Variant Classification Process June 2021. Collection method: clinical testing. Allele origin: germline. Affected: yes.
Comment: See Variant Classification Assertion Criteria.

Laboratory for Molecular Medicine, Mass General Brigham Personalized Medicine
Classification: Benign. Last evaluated: 2016-05-28. Review status: criteria provided, single submitter. Criteria: LMM Criteria. Collection method: clinical testing. Allele origin: germline. Observed: 3 variant alleles.
Comment: c.6614_6634dup (p.Met2205_Ser221dup) in exon49 of MYO7A: This variant is not exp ected to have clinical significance because it has been identified in 2% (73/340 2) of African chromosomes by the Exome Aggregation Consortium (ExAC .; dbSNP rs111033388).

Eurofins Ntd Llc (ga)
Classification: Likely benign. Last evaluated: 2015-12-21. Review status: criteria provided, single submitter. Criteria: EGL Classification Definitions. Collection method: clinical testing. Allele origin: germline. Observed: 1 variant allele, 1 heterozygote.

Clinical Genetics DNA and cytogenetics Diagnostics Lab, Erasmus MC, Erasmus Medical Center
Classification: Likely benign. Review status: no assertion criteria provided. Collection method: clinical testing. Allele origin: germline. Affected: yes. Study: VKGL Data-share Consensus. Not counted in ClinVar's aggregate classification.

Clinical Genetics, Academic Medical Center
Classification: Likely benign. Review status: no assertion criteria provided. Collection method: clinical testing. Allele origin: germline. Affected: yes. Study: VKGL Data-share Consensus. Not counted in ClinVar's aggregate classification.

Laboratory of Diagnostic Genome Analysis, Leiden University Medical Center (LUMC)
Classification: Likely benign. Review status: no assertion criteria provided. Collection method: clinical testing. Allele origin: germline. Affected: yes. Study: VKGL Data-share Consensus. Not counted in ClinVar's aggregate classification.

NM_000260.4(MYO7A):c.6614_6634dup (p.Met2205_Ser2211dup)

Gene: MYO7A (myosin VIIA; plus strand). Cytogenetic location: 11q13.5.
Variant type: Duplication.
Coding change: c.6614_6634dup on transcript NM_000260.4 (MANE Select); coding-DNA positions 6614 to 6634, 21 bases duplicated (TGAGCAAACAGCGGGGCTCCA).
Protein change: p.Met2205_Ser2211dup.
Molecular consequence: inframe insertion.
Genome position (GRCh38, 1-based): chr11:77,214,662-77,214,682, TGAGCAAACAGCGGGGCTCCA duplicated; duplicating any 21 consecutive bases within chr11:77,214,659-77,214,682 gives the same sequence; the c. name uses the placement nearest the transcript's 3' end. VCF-style (leftmost placement, unchanged base first): chr11-77214658-G-GCCATGAGCAAACAGCGGGGCT. GRCh37 (hg19) VCF-style: chr11-76925703-G-GCCATGAGCAAACAGCGGGGCT.
Other names: p.Ser2211_Arg2212insMetSerLysGlnArgGlySer; c.6494_6514dup, p.Met2165_Ser2171dup (NM_001127180.2); c.6467_6487dup, p.Met2156_Ser2162dup (NM_001369365.1).
Identifiers: ClinVar variation 177815 (VCV000177815.25), dbSNP rs111033388, ClinGen allele CA278730.